The following is an entry in ClinVar:

NM_025179.4(PLXNA2):c.4866C>T (p.Asp1622=)

Gene: PLXNA2 (plexin A2; minus strand). Cytogenetic location: 1q32.2.
Variant type: single nucleotide variant.
Coding change: c.4866C>T on transcript NM_025179.4 (MANE Select); coding-DNA position 4866, C replaced by T.
Protein change: p.Asp1622=; no amino-acid change (aspartic acid 1622 retained).
Molecular consequence: synonymous variant.
Genome position (GRCh38, 1-based): chr1:208,033,508, G>A on the plus strand (C>T on the coding strand, the complement: PLXNA2 is on the minus strand). VCF-style: chr1-208033508-G-A. GRCh37 (hg19) VCF-style: chr1-208206853-G-A.
Identifiers: ClinVar variation 3036858 (VCV003036858.2), dbSNP rs1664572747, ClinGen allele CA422979864.

ClinVar aggregate classification (germline): Likely benign (0 of 4 stars; one submission).

Conditions:
PLXNA2-related disorder. Also called: PLXNA2-related condition.

Allele frequency attached by ClinVar (database versions not stated): gnomAD exomes below 0.00001; TOPMed below 0.00001.

Submission:

PreventionGenetics, part of Exact Sciences
Classification: Likely benign for PLXNA2-related condition. Last evaluated: 2022-08-11. Review status: no assertion criteria provided. Collection method: clinical testing. Allele origin: germline.
Comment: This variant is classified as likely benign based on ACMG/AMP sequence variant interpretation guidelines (Richards et al. 2015 PMID: 25741868, with internal and published modifications).